The following is an entry in ClinVar:

ClinVar aggregate classification (germline): Uncertain significance (1 of 4 stars; one submission).

Submission:

Labcorp Genetics (formerly Invitae), Labcorp
Classification: Uncertain significance. Last evaluated: 2023-10-15. Review status: criteria provided, single submitter. Criteria: Invitae Variant Classification Sherloc (09022015). Collection method: clinical testing. Allele origin: unknown.
Comment: This variant results in a copy number gain of the genomic region encompassing exon(s) 16-25 of the OPHN1 gene. This region includes the termination codon of the gene. This copy number gain extends beyond the assayed region for this gene and therefore may encompass additional genes. As the precise location of this event is unknown, it may be in tandem or it may be located elsewhere in the genome. This variant has not been reported in the literature in individuals affected with OPHN1-related conditions. In summary, the available evidence is currently insufficient to determine the role of this variant in disease. Therefore, it has been classified as a Variant of Uncertain Significance.

NC_000023.10:g.(?_66863078)_(67339194_?)dup

Genes: AR (androgen receptor; plus strand), OPHN1 (oligophrenin 1; minus strand). Cytogenetic location: Xq12.
Variant type: Duplication.
Identifiers: ClinVar variation 3246540 (VCV003246540.1).